The following is an entry in ClinVar:

ClinVar aggregate classification (germline): Uncertain significance (1 of 4 stars; one submission).

Submission:

Labcorp Genetics (formerly Invitae), Labcorp
Classification: Uncertain significance. Last evaluated: 2025-04-05. Review status: criteria provided, single submitter. Criteria: Invitae Variant Classification Sherloc (09022015). Collection method: clinical testing. Allele origin: germline.
Comment: This sequence change falls in intron 2 of the ZCCHC8 gene. It does not directly change the encoded amino acid sequence of the ZCCHC8 protein. It affects a nucleotide within the consensus splice site. This variant is present in population databases (no rsID available, gnomAD no frequency). This variant has not been reported in the literature in individuals affected with ZCCHC8-related conditions. Variants that disrupt the consensus splice site are a relatively common cause of aberrant splicing (PMID: 17576681, 9536098). Algorithms developed to predict the effect of sequence changes on RNA splicing suggest that this variant is not likely to affect RNA splicing. In summary, the available evidence is currently insufficient to determine the role of this variant in disease. Therefore, it has been classified as a Variant of Uncertain Significance.

Literature cited by the submitters: PubMed 17576681; PubMed 9536098.

NM_017612.5(ZCCHC8):c.242+3A>T

Gene: ZCCHC8 (zinc finger CCHC-type containing 8; minus strand). Cytogenetic location: 12q24.31.
Variant type: single nucleotide variant.
Coding change: c.242+3A>T on transcript NM_017612.5 (MANE Select); 3 bases into the intron after coding-DNA position 242, A replaced by T.
Molecular consequence: intron variant.
Genome position (GRCh38, 1-based): chr12:122,498,824, T>A on the plus strand (A>T on the coding strand, the complement: ZCCHC8 is on the minus strand). VCF-style: chr12-122498824-T-A. GRCh37 (hg19) VCF-style: chr12-122983371-T-A.
Other names: c.-197+3A>T (NM_001350938.2); c.242+3A>T (NM_001350935.2); c.-303+3A>T (NM_001350937.2); c.-56+1149A>T (NM_001350936.2).
Identifiers: ClinVar variation 4765732 (VCV004765732.1).